The following is an entry in ClinVar:

NM_002335.4(LRP5):c.1198del (p.Ala400fs)

Gene: LRP5 (LDL receptor related protein 5; plus strand). Cytogenetic location: 11q13.2.
Variant type: Deletion.
Coding change: c.1198del on transcript NM_002335.4 (MANE Select); coding-DNA position 1198, one base deleted (G; older notation c.1198delG).
Protein change: p.Ala400fs; shifts the reading frame from alanine 400.
Molecular consequence: frameshift variant. On other transcripts: 5 prime UTR variant (1).
Genome position (GRCh38, 1-based): chr11:68,386,498, G deleted; the last of 3 consecutive G bases (chr11:68,386,496-68,386,498); deleting any one gives the same sequence. VCF-style (leftmost placement, unchanged base first): chr11-68386495-AG-A. GRCh37 (hg19) VCF-style: chr11-68153963-AG-A.
Other names: c.-568del (NM_001291902.2); short protein forms A400fs.
Identifiers: ClinVar variation 4713508 (VCV004713508.1).
Genomic context (GRCh38, chr11:68,386,495, plus strand): 5'-GACTACGACCCGCTAGAGGGCTATGTCTACTGGACAGATGACGAGGTGCGGGCCATCCGC[AG>A]GGCGTACCTGGACGGGTCTGGGGCGCAGACGCTGGTCAACACCGAGATCAACGACCCCGA-3'

ClinVar aggregate classification (germline): Pathogenic (1 of 4 stars; one submission).

Submission:

Labcorp Genetics (formerly Invitae), Labcorp
Classification: Pathogenic. Last evaluated: 2025-02-27. Review status: criteria provided, single submitter. Criteria: Invitae Variant Classification Sherloc (09022015). Collection method: clinical testing. Allele origin: germline.
Comment: This sequence change creates a premature translational stop signal (p.Ala400Argfs*43) in the LRP5 gene. It is expected to result in an absent or disrupted protein product. Loss-of-function variants in LRP5 are known to be pathogenic (PMID: 11719191, 16252235, 25711638). This variant is not present in population databases (gnomAD no frequency). This variant has not been reported in the literature in individuals affected with LRP5-related conditions. For these reasons, this variant has been classified as Pathogenic.

Literature cited by the submitters: PubMed 11719191; PubMed 16252235; PubMed 25711638.